The following is an entry in ClinVar:

NM_025137.4(SPG11):c.6477+6_6477+8del

Gene: SPG11 (SPG11 vesicle trafficking associated, spatacsin; minus strand). Cytogenetic location: 15q21.1.
Variant type: Deletion.
Coding change: c.6477+6_6477+8del on transcript NM_025137.4 (MANE Select); bases 6 to 8 of the intron after coding-DNA position 6477, 3 bases deleted (TAG; older notation c.6477+6_6477+8delTAG).
Molecular consequence: intron variant.
Genome position (GRCh38, 1-based): chr15:44,570,517-44,570,519, CTA deleted on the plus strand (TAG on the coding strand, the reverse complement: SPG11 is on the minus strand); deleting any 3 consecutive bases within chr15:44,570,517-44,570,521 gives the same sequence; the c. name uses the placement nearest the transcript's 3' end. VCF-style (leftmost placement, unchanged base first): chr15-44570516-GCTA-G. GRCh37 (hg19) VCF-style: chr15-44862714-GCTA-G.
Other names: c.6477+6_6477+8delTAG (NM_025137.3, NM_025137.4); c.6138+6_6138+8del (NM_001160227.2).
Identifiers: ClinVar variation 1388726 (VCV001388726.8), dbSNP rs748324376, ClinGen allele CA7534123.

ClinVar aggregate classification (germline): Conflicting classifications of pathogenicity. Review status: criteria provided, conflicting classifications (1 of 4 stars). 3 submissions from 3 submitters: Uncertain significance (2); Likely benign (1). Last evaluated 2025-09-03.

Conditions:
SPG11-related disorder. Also called: SPG11-related condition.
Hereditary spastic paraplegia 11. Also called: Spastic Paraplegia 11; Spastic paraplegia, mental retardation and thin corpus callosum; SPASTIC PARAPLEGIA, AUTOSOMAL RECESSIVE, COMPLICATED, WITH THIN CORPUS CALLOSUM; SPASTIC PARAPLEGIA, AUTOSOMAL RECESSIVE, WITH MENTAL IMPAIRMENT AND THIN CORPUS CALLOSUM; Nakamura Osame syndrome; Autosomal recessive hereditary spastic paraplegia, mental impairment, and thin corpus callosum. Identifiers: Orphanet 2822, MedGen C1858479, MONDO:0011445, OMIM 604360.

Submissions (3):

PreventionGenetics, part of Exact Sciences
Classification: Likely benign for SPG11-related condition. Last evaluated: 2025-09-03. Review status: criteria provided, single submitter. Criteria: ACMG Guidelines, 2015. Collection method: clinical testing. Allele origin: germline.
Comment: This variant is classified as likely benign based on ACMG/AMP sequence variant interpretation guidelines (Richards et al. 2015 PMID: 25741868, with internal and published modifications).

Women's Health and Genetics/Laboratory Corporation of America, LabCorp
Classification: Uncertain significance. Last evaluated: 2025-01-19. Review status: criteria provided, single submitter. Criteria: LabCorp Variant Classification Summary - May 2015. Collection method: clinical testing. Allele origin: germline.

Labcorp Genetics (formerly Invitae), Labcorp
Classification: Uncertain significance for Hereditary spastic paraplegia 11. Last evaluated: 2024-07-03. Review status: criteria provided, single submitter. Criteria: Invitae Variant Classification Sherloc (09022015). Collection method: clinical testing. Allele origin: germline.
Comment: This sequence change falls in intron 34 of the SPG11 gene. It does not directly change the encoded amino acid sequence of the SPG11 protein. It affects a nucleotide within the consensus splice site. This variant is present in population databases (rs748324376, gnomAD 0.05%). This variant has been observed in individual(s) with spastic paraplegia (Invitae). In at least one individual the data is consistent with being in trans (on the opposite chromosome) from a pathogenic variant. ClinVar contains an entry for this variant (Variation ID: 1388726). Variants that disrupt the consensus splice site are a relatively common cause of aberrant splicing (PMID: 17576681, 9536098). Algorithms developed to predict the effect of sequence changes on RNA splicing suggest that this variant is not likely to affect RNA splicing. In summary, the available evidence is currently insufficient to determine the role of this variant in disease. Therefore, it has been classified as a Variant of Uncertain Significance.

Literature cited by the submitters: PubMed 17576681 (cited by Labcorp Genetics (formerly Invitae), Labcorp); PubMed 9536098 (cited by Labcorp Genetics (formerly Invitae), Labcorp).